The following is an entry in ClinVar:

ClinVar aggregate classification (germline): Uncertain significance. Review status: criteria provided, multiple submitters, no conflicts (2 of 4 stars). 3 submissions from 3 submitters: Uncertain significance (2). 1 of the submissions does not count toward it. Last evaluated 2024-04-05.

Conditions:
Deficiency of steroid 17-alpha-monooxygenase. Also called: Congenital adrenal hyperplasia due to 17-alpha-hydroxylase deficiency; Congenital adrenal hyperplasia type 5; 17-alpha-hydroxylase/17,20-lyase deficiency; 17-ALPHA-HYDROXYLASE DEFICIENCY; ADRENAL HYPERPLASIA V. Identifiers: Orphanet 90793, MedGen C0268285, MONDO:0008730, OMIM 202110.
17-alpha-hydroxylase/17,20-lyase deficiency, combined partial. Identifiers: MedGen C4017190, MONDO:0800380.

gnomAD v4.1: 8 of 1,614,090 alleles (0.0005%); highest among the groups gnomAD compares: East Asian, 0.018%; no homozygotes.

Submissions (3):

Women's Health and Genetics/Laboratory Corporation of America, LabCorp
Classification: Uncertain significance. Last evaluated: 2024-04-05. Review status: criteria provided, single submitter. Criteria: LabCorp Variant Classification Summary - May 2015. Collection method: clinical testing. Allele origin: germline.
Comment: Variant summary: CYP17A1 c.601T>A (p.Tyr201Asn) results in a non-conservative amino acid change in the encoded protein sequence. Four of five in-silico tools predict a damaging effect of the variant on protein function. The variant allele was found at a frequency of 1.2e-05 in 251490 control chromosomes (gnomAD). c.601T>A has been reported in the literature in an individual affected with 17-alpha-Hydroxylase/17,20-Lyase Deficiency (Taniyama_2005). These data indicate that the variant may be associated with disease. This publication reports experimental evidence evaluating an impact on protein function, finding that the variant results in 31-34% of normal activity. The following publication has been ascertained in the context of this evaluation (PMID: 15713706). ClinVar contains an entry for this variant (Variation ID: 1800). Based on the evidence outlined above, the variant was classified as VUS-possibly pathogenic.

Baylor Genetics
Classification: Uncertain significance for Deficiency of steroid 17-alpha-monooxygenase. Last evaluated: 2024-01-30. Review status: criteria provided, single submitter. Criteria: ACMG Guidelines, 2015. Collection method: clinical testing. Allele origin: unknown.

OMIM
Classification: Pathogenic for 17-ALPHA-HYDROXYLASE/17,20-LYASE DEFICIENCY, COMBINED PARTIAL. Last evaluated: 2005-05-01. Review status: no assertion criteria provided. Collection method: literature only. Allele origin: germline. Not counted in ClinVar's aggregate classification.

Literature cited by the submitters: PubMed 15713706 (cited by Women's Health and Genetics/Laboratory Corporation of America, LabCorp and OMIM).

NM_000102.4(CYP17A1):c.601T>A (p.Tyr201Asn)

Gene: CYP17A1 (cytochrome P450 family 17 subfamily A member 1; minus strand). Cytogenetic location: 10q24.32.
Variant type: single nucleotide variant.
Coding change: c.601T>A on transcript NM_000102.4 (MANE Select); coding-DNA position 601, T replaced by A.
Protein change: p.Tyr201Asn; replaces tyrosine 201 with asparagine.
Molecular consequence: missense variant.
Genome position (GRCh38, 1-based): chr10:102,834,850, A>T on the plus strand (T>A on the coding strand, the complement: CYP17A1 is on the minus strand). VCF-style: chr10-102834850-A-T. GRCh37 (hg19) VCF-style: chr10-104594607-A-T.
Other names: short protein forms Y201N.
Identifiers: ClinVar variation 1800 (VCV000001800.3), dbSNP rs104894150, ClinGen allele CA115196.